The following is an entry in ClinVar:

NM_024675.4(PALB2):c.2508C>A (p.Val836=)

Gene: PALB2 (partner and localizer of BRCA2; minus strand). Cytogenetic location: 16p12.2.
Variant type: single nucleotide variant.
Coding change: c.2508C>A on transcript NM_024675.4 (MANE Select); coding-DNA position 2508, C replaced by A.
Protein change: p.Val836=; no amino-acid change (valine 836 retained).
Molecular consequence: synonymous variant. On other transcripts: intron variant (1).
Genome position (GRCh38, 1-based): chr16:23,629,646, G>T on the plus strand (C>A on the coding strand, the complement: PALB2 is on the minus strand). VCF-style: chr16-23629646-G-T. GRCh37 (hg19) VCF-style: chr16-23640967-G-T.
Other names: c.2448C>A, p.Val816= (NM_001407296.1); c.2508C>A, p.Val836= (NM_001407297.1, NM_001407298.1, NM_001407299.1 and 3 more transcripts); c.1623C>A, p.Val541= (NM_001407304.1, NM_001407305.1, NM_001407306.1 and 5 more transcripts); c.720C>A, p.Val240= (NM_001407312.1, NM_001407313.1); c.49-371C>A (NM_001407314.1).
Identifiers: ClinVar variation 3904041 (VCV003904041.1).

ClinVar aggregate classification (germline): Benign (1 of 4 stars; one submission).

Conditions:
Familial cancer of breast. Also called: Hereditary breast cancer; hereditary breast carcinoma; BREAST CANCER, FAMILIAL. Identifiers: Orphanet 227535, MedGen C0346153, MONDO:0016419, OMIM 114480. Disease mechanism: loss of function.

Submission:

Myriad Genetics, Inc.
Classification: Benign for Familial cancer of breast. Last evaluated: 2025-01-16. Review status: criteria provided, single submitter. Criteria: Myriad Autosomal Dominant, Autosomal Recessive and X-Linked Classification Criteria (2023). Collection method: clinical testing. Allele origin: unknown.
Comment: This variant is considered benign. This variant is a silent/synonymous amino acid change and it is not expected to impact splicing.